The following is an entry in ClinVar:

ClinVar aggregate classification (germline): Uncertain significance (1 of 4 stars; one submission).

Allele frequency attached by ClinVar (database versions not stated): TOPMed 0.00001; ExAC 0.00002.

Submission:

Labcorp Genetics (formerly Invitae), Labcorp
Classification: Uncertain significance. Last evaluated: 2022-07-01. Review status: criteria provided, single submitter. Criteria: Invitae Variant Classification Sherloc (09022015). Collection method: clinical testing. Allele origin: germline.
Comment: This sequence change replaces valine, which is neutral and non-polar, with isoleucine, which is neutral and non-polar, at codon 114 of the SAMD11 protein (p.Val114Ile). This variant is present in population databases (rs754952420, gnomAD 0.01%). This variant has not been reported in the literature in individuals affected with SAMD11-related conditions. Algorithms developed to predict the effect of missense changes on protein structure and function output the following: SIFT: "Tolerated"; PolyPhen-2: "Benign"; Align-GVGD: "Class C0". The isoleucine amino acid residue is found in multiple mammalian species, which suggests that this missense change does not adversely affect protein function. In summary, the available evidence is currently insufficient to determine the role of this variant in disease. Therefore, it has been classified as a Variant of Uncertain Significance.

NM_001385641.1(SAMD11):c.877G>A (p.Val293Ile)

Gene: SAMD11 (sterile alpha motif domain containing 11; plus strand). Cytogenetic location: 1p36.33.
Variant type: single nucleotide variant.
Coding change: c.877G>A on transcript NM_001385641.1 (MANE Select); coding-DNA position 877, G replaced by A.
Protein change: p.Val293Ile; replaces valine 293 with isoleucine.
Molecular consequence: missense variant.
Genome position (GRCh38, 1-based): chr1:935,806, G>A. VCF-style: chr1-935806-G-A. GRCh37 (hg19) VCF-style: chr1-871186-G-A.
Other names: c.877G>A, p.Val293Ile (NM_001385640.1); c.340G>A, p.Val114Ile (NM_152486.4); short protein forms V293I, V114I.
Identifiers: ClinVar variation 1897286 (VCV001897286.2), dbSNP rs754952420, ClinGen allele CA502565.